The following is an entry in ClinVar:

NM_000435.3(NOTCH3):c.1582G>T (p.Gly528Cys)

Gene: NOTCH3 (notch receptor 3; minus strand). Cytogenetic location: 19p13.12.
Variant type: single nucleotide variant.
Coding change: c.1582G>T on transcript NM_000435.3 (MANE Select); coding-DNA position 1582, G replaced by T.
Protein change: p.Gly528Cys; replaces glycine 528 with cysteine.
Molecular consequence: missense variant.
Genome position (GRCh38, 1-based): chr19:15,187,905, C>A on the plus strand (G>T on the coding strand, the complement: NOTCH3 is on the minus strand). VCF-style: chr19-15187905-C-A. GRCh37 (hg19) VCF-style: chr19-15298716-C-A.
Other names: c.1582G>T (NM_000435.2); short protein forms G528C.
Identifiers: ClinVar variation 2578822 (VCV002578822.25), dbSNP rs2512659319, ClinGen allele CA404526320.

ClinVar aggregate classification (germline): Pathogenic. Review status: criteria provided, multiple submitters, no conflicts (2 of 4 stars). 2 submissions from 2 submitters: Pathogenic (2). Last evaluated 2025-04-08.

Submissions (2):

Athena Diagnostics
Classification: Pathogenic. Last evaluated: 2025-04-08. Review status: criteria provided, single submitter. Criteria: Athena Diagnostics Criteria. Collection method: clinical testing. Allele origin: unknown.
Comment: This variant alters a critical location within the protein, and is expected to severely affect function and cause disease. This variant has not been reported in large, multi-ethnic general populations. This variant has been identified in at least one individual with CADASIL. Greater than 90% of NOTCH3 pathogenic variants associated with CADASIL involve the gain or loss of a cysteine residue within the epidermal growth factor (EGF)-like repeat domain (PMID: 32457593, 20301673).

CeGaT Center for Human Genetics Tuebingen
Classification: Pathogenic. Last evaluated: 2023-08-01. Review status: criteria provided, single submitter. Criteria: CeGaT Center For Human Genetics Tuebingen Variant Classification Criteria Version 2. Collection method: clinical testing. Allele origin: germline. Affected: yes. Observed: 1 variant allele.
Comment: NOTCH3: PM1:Strong, PM2, PS4:Moderate, PP1, PP2

Literature cited by the submitters: PubMed 20169447 (cited by Athena Diagnostics); PubMed 19576955 (cited by Athena Diagnostics); PubMed 23572112 (cited by Athena Diagnostics); PubMed 15834039 (cited by Athena Diagnostics).